The following is an entry in ClinVar:

NM_000421.5(KRT10):c.135A>G (p.Gly45=)

Genes: KRT10 (keratin 10; minus strand), KRT10-AS1 (KRT10 antisense RNA 1; plus strand). Cytogenetic location: 17q21.2.
Variant type: single nucleotide variant.
Coding change: c.135A>G on transcript NM_000421.5 (MANE Select); coding-DNA position 135, A replaced by G.
Protein change: p.Gly45=; no amino-acid change (glycine 45 retained).
Molecular consequence: synonymous variant.
Genome position (GRCh38, 1-based): chr17:40,822,451, T>C on the plus strand (A>G on the coding strand, the complement: KRT10 is on the minus strand). VCF-style: chr17-40822451-T-C. GRCh37 (hg19) VCF-style: chr17-38978703-T-C.
Other names: c.135A>G (NM_000421.3); c.135A>G, p.Gly45= (NM_001379366.1).
Identifiers: ClinVar variation 1174750 (VCV001174750.30), dbSNP rs150048434, ClinGen allele CA8548351.
Genomic context (GRCh38, chr17:40,822,451, plus strand): 5'-GCCCCCACCAGAGCTCCCACGGCTAAAAGAGCCACCACTGAACCCCCCTGAGCTAAATCC[T>C]CCACCAAGGGAGCCTTTGCTGCTAGAAATTCTTAGGGATGACACTCCTCCTCCTCCTCCA-3'
Protein context (NP_000412.4, residues 35-55): RISSSKGSLG[Gly45=]GFSSGGFSGG

ClinVar aggregate classification (germline): Benign/Likely benign. Review status: criteria provided, multiple submitters, no conflicts (2 of 4 stars). 6 submissions from 6 submitters: Benign (1); Likely benign (2). 3 of the submissions do not count toward it. Last evaluated 2026-03-01.

Conditions:
KRT10-related disorder. Also called: KRT10-related condition.

Allele frequency attached by ClinVar (database versions not stated): 1000 Genomes Project 0.00200; 1000 Genomes Project 30x 0.00203; gnomAD exomes 0.00314 and 0.00605; gnomAD 0.00328 and 0.00336; ExAC 0.00361; ESP Exome Variant Server 0.00507.
gnomAD v4.1: 9,218 of 1,613,682 alleles (0.57%); highest among the groups gnomAD compares: Non-Finnish European, 0.73%; 27 homozygotes.

Submissions (9):

CeGaT Center for Human Genetics Tuebingen
Classification: Likely benign. Last evaluated: 2026-03-01. Review status: criteria provided, single submitter. Criteria: CeGaT Center For Human Genetics Tuebingen Variant Classification Criteria Version 2. Collection method: clinical testing. Allele origin: germline. Affected: yes. Observed: 2 variant alleles.
Comment: KRT10: BP4, BS2

Labcorp Genetics (formerly Invitae), Labcorp
Classification: Benign. Last evaluated: 2025-12-27. Review status: criteria provided, single submitter. Criteria: Invitae Variant Classification Sherloc (09022015). Collection method: clinical testing. Allele origin: germline.

Blueprint Genetics
Classification: Likely benign. Last evaluated: 2024-11-26. Review status: criteria provided, single submitter. Criteria: ACMG Guidelines, 2015. Collection method: clinical testing. Allele origin: germline.

PreventionGenetics, part of Exact Sciences
Classification: Likely benign for KRT10-related condition. Last evaluated: 2019-09-20. Review status: no assertion criteria provided. Collection method: clinical testing. Allele origin: germline. Not counted in ClinVar's aggregate classification.
Comment: This variant is classified as likely benign based on ACMG/AMP sequence variant interpretation guidelines (Richards et al. 2015 PMID: 25741868, with internal and published modifications).

Clinical Genetics DNA and cytogenetics Diagnostics Lab, Erasmus MC, Erasmus Medical Center
Classification: Likely benign. Review status: no assertion criteria provided. Collection method: clinical testing. Allele origin: germline. Affected: yes. Study: VKGL Data-share Consensus. Not counted in ClinVar's aggregate classification.

Diagnostic Laboratory, Department of Genetics, University Medical Center Groningen
Classification: Likely benign. Review status: no assertion criteria provided. Collection method: clinical testing. Allele origin: germline. Affected: yes. Study: VKGL Data-share Consensus. Not counted in ClinVar's aggregate classification.

Dr. Peter K. Rogan Lab, Western University
No classification provided (evidence only). Condition: Clear cell carcinoma of kidney. Review status: no classification provided. Collection method: in vitro. Allele origin: not applicable. Functional consequence: retained intron. Not counted in ClinVar's aggregate classification.

Dr. Peter K. Rogan Lab, Western University
No classification provided (evidence only). Condition: Thyroid cancer, nonmedullary, 1. Review status: no classification provided. Collection method: in vitro. Allele origin: not applicable. Functional consequence: retained intron. Not counted in ClinVar's aggregate classification.

Dr. Peter K. Rogan Lab, Western University
No classification provided (evidence only). Condition: Cervical cancer. Review status: no classification provided. Collection method: in vitro. Allele origin: not applicable. Functional consequence: retained intron. Not counted in ClinVar's aggregate classification.